The following is an entry in ClinVar:

NM_001111.5(ADAR):c.2795C>T (p.Ser932Phe)

Gene: ADAR (adenosine deaminase RNA specific; minus strand). Cytogenetic location: 1q21.3.
Variant type: single nucleotide variant.
Coding change: c.2795C>T on transcript NM_001111.5 (MANE Select); coding-DNA position 2795, C replaced by T.
Protein change: p.Ser932Phe; replaces serine 932 with phenylalanine.
Molecular consequence: missense variant.
Genome position (GRCh38, 1-based): chr1:154,588,641, G>A on the plus strand (C>T on the coding strand, the complement: ADAR is on the minus strand). VCF-style: chr1-154588641-G-A. GRCh37 (hg19) VCF-style: chr1-154561117-G-A.
Other names: c.1910C>T, p.Ser637Phe (NM_001025107.3, NM_001193495.2, NM_001365046.1 and 2 more transcripts); c.2822C>T, p.Ser941Phe (NM_001365045.1); c.1832C>T, p.Ser611Phe (NM_001365049.1); c.2717C>T, p.Ser906Phe (NM_015840.4); c.2660C>T, p.Ser887Phe (NM_015841.4); short protein forms S611F, S637F, S887F, S906F, S932F, S941F.
Identifiers: ClinVar variation 1026287 (VCV001026287.6), dbSNP rs886082285, ClinGen allele CA342636427.
Genomic context (GRCh38, chr1:154,588,641, plus strand): 5'-TTTATTTGGAGCTTTTCTCCTCCCTTAGCAGGTTCAAATATACTATCCTTCGCAGTCTGG[G>A]AGTTGTATTTCATTAACTCACTGTAGAGAAACCTACAAAAAGAAAGTCTGGTTAGGAAGG-3'
Protein context (NP_001102.3, residues 922-942): FLYSELMKYN[Ser932Phe]QTAKDSIFEP

ClinVar aggregate classification (germline): Uncertain significance (1 of 4 stars; one submission).

Conditions:
Symmetrical dyschromatosis of extremities (DSH). Also called: Dyschromatosis symmetrica hereditaria; RETICULATE ACROPIGMENTATION OF DOHI; DYSCHROMATOSIS SYMMETRICA HEREDITARIA 1; SYMMETRIC DYSCHROMATOSIS OF THE EXTREMITIES. Identifiers: Orphanet 41, MedGen C0406775, MONDO:0007483, OMIM 127400.
Aicardi-Goutieres syndrome 6 (AGS6). Identifiers: Orphanet 51, MedGen C3539013, MONDO:0014007, OMIM 615010.

Submission:

Labcorp Genetics (formerly Invitae), Labcorp
Classification: Uncertain significance for Aicardi-Goutieres syndrome 6; Symmetrical dyschromatosis of extremities. Last evaluated: 2025-06-15. Review status: criteria provided, single submitter. Criteria: Invitae Variant Classification Sherloc (09022015). Collection method: clinical testing. Allele origin: germline.
Comment: This sequence change replaces serine, which is neutral and polar, with phenylalanine, which is neutral and non-polar, at codon 932 of the ADAR protein (p.Ser932Phe). This variant is not present in population databases (gnomAD no frequency). This variant has not been reported in the literature in individuals affected with ADAR-related conditions. ClinVar contains an entry for this variant (Variation ID: 1026287). Invitae Evidence Modeling of protein sequence and biophysical properties (such as structural, functional, and spatial information, amino acid conservation, physicochemical variation, residue mobility, and thermodynamic stability) indicates that this missense variant is not expected to disrupt ADAR protein function with a negative predictive value of 80%. In summary, the available evidence is currently insufficient to determine the role of this variant in disease. Therefore, it has been classified as a Variant of Uncertain Significance.